The following is an entry in ClinVar:

ClinVar aggregate classification (germline): Uncertain significance (1 of 4 stars; one submission).

Conditions:
Primary ciliary dyskinesia. Also called: Ciliary dyskinesia. Identifiers: Orphanet 244, MedGen C0008780, MONDO:0016575, HP:0012265.

Submission:

Labcorp Genetics (formerly Invitae), Labcorp
Classification: Uncertain significance for Primary ciliary dyskinesia. Last evaluated: 2023-11-25. Review status: criteria provided, single submitter. Criteria: Invitae Variant Classification Sherloc (09022015). Collection method: clinical testing. Allele origin: germline.
Comment: This sequence change replaces aspartic acid, which is acidic and polar, with valine, which is neutral and non-polar, at codon 3520 of the DNAH5 protein (p.Asp3520Val). This variant is not present in population databases (gnomAD no frequency). This variant has not been reported in the literature in individuals affected with DNAH5-related conditions. Advanced modeling of protein sequence and biophysical properties (such as structural, functional, and spatial information, amino acid conservation, physicochemical variation, residue mobility, and thermodynamic stability) performed at Invitae indicates that this missense variant is expected to disrupt DNAH5 protein function with a positive predictive value of 95%. In summary, the available evidence is currently insufficient to determine the role of this variant in disease. Therefore, it has been classified as a Variant of Uncertain Significance.

NM_001369.3(DNAH5):c.10559A>T (p.Asp3520Val)

Gene: DNAH5 (dynein axonemal heavy chain 5; minus strand). Cytogenetic location: 5p15.2.
Variant type: single nucleotide variant.
Coding change: c.10559A>T on transcript NM_001369.3 (MANE Select); coding-DNA position 10559, A replaced by T.
Protein change: p.Asp3520Val; replaces aspartic acid 3520 with valine.
Molecular consequence: missense variant.
Genome position (GRCh38, 1-based): chr5:13,753,546, T>A on the plus strand (A>T on the coding strand, the complement: DNAH5 is on the minus strand). VCF-style: chr5-13753546-T-A. GRCh37 (hg19) VCF-style: chr5-13753655-T-A.
Other names: short protein forms D3520V.
Identifiers: ClinVar variation 2913994 (VCV002913994.3), dbSNP rs2546615913, ClinGen allele CA359192329.
Genomic context (GRCh38, chr5:13,753,546, plus strand): 5'-TCACGAAACTCTTGGTTAAATGGACCAGAATAAGATAGAAAAGCTGTAGCCAACAGTACA[T>A]CCCCTAAAATAGAAAACAAACACCATTGAAATACTTTACGTTCATCCGTGTGATTGTACA-3'
Protein context (NP_001360.1, residues 3510-3530): FAAQTKRLVG[Asp3520Val]VLLATAFLSY